The following is an entry in ClinVar:

NM_024596.5(MCPH1):c.2105C>T (p.Ala702Val)

Gene: MCPH1 (microcephalin 1; plus strand). Cytogenetic location: 8p23.1.
Variant type: single nucleotide variant.
Coding change: c.2105C>T on transcript NM_024596.5 (MANE Select); coding-DNA position 2105, C replaced by T.
Protein change: p.Ala702Val; replaces alanine 702 with valine.
Molecular consequence: missense variant. On other transcripts: intron variant (1).
Genome position (GRCh38, 1-based): chr8:6,480,845, C>T. VCF-style: chr8-6480845-C-T. GRCh37 (hg19) VCF-style: chr8-6338366-C-T.
Other names: NC_000008.10:g.6338366C>T; c.2105C>T, p.Ala702Val (NM_001322042.2, NM_001363979.1); c.1935+25593C>T (NM_001363980.2); short protein forms A702V.
Identifiers: ClinVar variation 431867 (VCV000431867.10), dbSNP rs751512309, ClinGen allele CA4610811.
Genomic context (GRCh38, chr8:6,480,845, plus strand): 5'-CCACGACTCACGTGCTTTCCGGGAAGCCACTTCGCACCCTGAATGTGCTGCTGGGAATTG[C>T]GCGTGGCTGCTGGGTTCTCTCTTATGATTGGGTAAGCCCTGTGTGTGAACTGCGTATTTT-3'
Protein context (NP_078872.3, residues 692-712): LRTLNVLLGI[Ala702Val]RGCWVLSYDW

ClinVar aggregate classification (germline): Uncertain significance. Review status: criteria provided, multiple submitters, no conflicts (2 of 4 stars). 4 submissions from 4 submitters: Uncertain significance (4). Last evaluated 2023-05-17.

Conditions:
Microcephaly 1, primary, autosomal recessive (MCPH1). Also called: PREMATURE CHROMOSOME CONDENSATION SYNDROME; PCC SYNDROME; PREMATURE CHROMOSOME CONDENSATION WITH MICROCEPHALY AND MENTAL RETARDATION. Identifiers: Orphanet 2512, MedGen C1855081, MONDO:0009617, OMIM 251200.
Inborn genetic diseases. Identifiers: MedGen C0950123, MeSH D030342.

Allele frequency attached by ClinVar (database versions not stated): gnomAD exomes below 0.00001; ExAC 0.00002; TOPMed 0.00002; gnomAD 0.00003.
gnomAD v4.1: 30 of 1,614,016 alleles (0.0019%); highest among the groups gnomAD compares: Middle Eastern, 0.016%; no homozygotes.

Submissions (5):

Ambry Genetics
Classification: Uncertain significance for Inborn genetic diseases. Last evaluated: 2023-05-17. Review status: criteria provided, single submitter. Criteria: Ambry Variant Classification Scheme 2023. Collection method: clinical testing. Allele origin: germline.

Fulgent Genetics
Classification: Uncertain significance for Microcephaly 1, primary, autosomal recessive. Last evaluated: 2018-10-31. Review status: criteria provided, single submitter. Criteria: ACMG Guidelines, 2015. Collection method: clinical testing. Allele origin: unknown.

Illumina Laboratory Services, Illumina
Classification: Uncertain significance for Microcephaly 1, primary, autosomal recessive. Last evaluated: 2017-04-28. Review status: criteria provided, single submitter. Criteria: ICSL Variant Classification Criteria 13 December 2019. Collection method: clinical testing. Allele origin: germline.

GeneDx
Classification: Uncertain significance. Last evaluated: 2015-06-08. Review status: criteria provided, single submitter. Criteria: GeneDx Variant Classification (06012015). Collection method: clinical testing. Allele origin: germline. Affected: yes.
Comment: The A702V variant has not been published as a pathogenic variant, nor has it been reported as a benign polymorphism to our knowledge. It was not observed in approximately 6,200 individuals of European and African American ancestry in the NHLBI Exome Sequencing Project, indicating it is not a common benign variant in these populations. The A702V substitution occurs at a position where amino acids with similar properties to Alanine are tolerated across species. However, the substitution is conservative, which is not likely to impact secondary protein structure as these residues share similar properties. In addition, missense variants at nearby residues have not been reported in the Human Gene Mutation Database in association with MCPH1-related disorders (Stenson et al., 2014). In silico analysis is inconsistent in its predictions as to whether or not the variant is damaging to the protein structure/function. Therefore, based on the currently available information, it is unclear whether this variant is a pathogenic variant or a rare benign variant.

Dr. Peter K. Rogan Lab, Western University
No classification provided (evidence only). Condition: Cervical cancer. Review status: no classification provided. Collection method: in vitro. Allele origin: not applicable. Functional consequence: retained intron. Not counted in ClinVar's aggregate classification.